The following is an entry in ClinVar:

ClinVar aggregate classification (germline): Uncertain significance. Review status: criteria provided, multiple submitters, no conflicts (2 of 4 stars). 2 submissions from 2 submitters: Uncertain significance (2). Last evaluated 2025-08-12.

gnomAD v4.1: 1 of 1,211,212 alleles (0.000083%); highest among the groups gnomAD compares: Non-Finnish European, 0.00011%; no homozygotes.

Submissions (2):

GeneDx
Classification: Uncertain significance. Last evaluated: 2025-08-12. Review status: criteria provided, single submitter. Criteria: GeneDx Variant Classification Process June 2021. Collection method: clinical testing. Allele origin: germline. Affected: yes.
Comment: Not observed at significant frequency in large population cohorts (gnomAD); In silico analysis suggests that this missense variant does not alter protein structure/function; Has not been previously published as pathogenic or benign to our knowledge; This variant is associated with the following publications: (PMID: 25641508)

Blueprint Genetics
Classification: Uncertain significance. Last evaluated: 2024-07-25. Review status: criteria provided, single submitter. Criteria: ACMG Guidelines, 2015. Collection method: clinical testing. Allele origin: germline.

NM_001278116.2(L1CAM):c.2488C>A (p.Leu830Met)

Gene: L1CAM (L1 cell adhesion molecule; minus strand). Cytogenetic location: Xq28.
Variant type: single nucleotide variant.
Coding change: c.2488C>A on transcript NM_001278116.2 (MANE Select); coding-DNA position 2488, C replaced by A.
Protein change: p.Leu830Met; replaces leucine 830 with methionine.
Molecular consequence: missense variant.
Genome position (GRCh38, 1-based): chrX:153,865,763, G>T on the plus strand (C>A on the coding strand, the complement: L1CAM is on the minus strand). VCF-style: chrX-153865763-G-T. GRCh37 (hg19) VCF-style: chrX-153131218-G-T.
Other names: c.2488C>A, p.Leu830Met (NM_000425.5, NM_024003.3); c.2473C>A, p.Leu825Met (NM_001143963.2); short protein forms L825M, L830M.
Identifiers: ClinVar variation 4795607 (VCV004795607.2).
Genomic context (GRCh38, chrX:153,865,763, plus strand): 5'-CATTGTATCCGCGGAGGTGGCCCTTGACCTGGGCCAGGTCCACCGGCCGCCACTTGACCA[G>T]CACGGCACTTGAGTTGAGGATTTCAATGCCTTCCAGCTCAGGGATTGCCTGGGGGTCTGG-3'
Protein context (NP_001265045.1, residues 820-840): GIEILNSSAV[Leu830Met]VKWRPVDLAQ